The following is an entry in ClinVar:

NM_001378615.1(CC2D2A):c.3751G>A (p.Gly1251Arg)

Genes: CC2D2A (coiled-coil and C2 domain containing 2A; plus strand), FBXL5 (F-box and leucine rich repeat protein 5; minus strand). Cytogenetic location: 4p15.32.
Variant type: single nucleotide variant.
Coding change: c.3751G>A on transcript NM_001378615.1 (MANE Select); coding-DNA position 3751, G replaced by A.
Protein change: p.Gly1251Arg; replaces glycine 1251 with arginine.
Molecular consequence: missense variant.
Genome position (GRCh38, 1-based): chr4:15,574,306, G>A. VCF-style: chr4-15574306-G-A. GRCh37 (hg19) VCF-style: chr4-15575929-G-A.
Other names: c.3751G>A, p.Gly1251Arg (NM_001080522.2); c.3604G>A, p.Gly1202Arg (NM_001378617.1); short protein forms G1251R, G1202R.
Identifiers: ClinVar variation 581283 (VCV000581283.13), dbSNP rs368180778, ClinGen allele CA2864225.

ClinVar aggregate classification (germline): Uncertain significance. Review status: criteria provided, multiple submitters, no conflicts (2 of 4 stars). 5 submissions from 5 submitters: Uncertain significance (4). 1 of the submissions does not count toward it. Last evaluated 2024-12-02.

Conditions:
Joubert syndrome 9 (JBTS9). Identifiers: Orphanet 2318, MedGen C2676788, MONDO:0012849, OMIM 612285.
Meckel syndrome, type 6. Identifiers: Orphanet 564, MedGen C2676790, MONDO:0012848, OMIM 612284.
Retinitis pigmentosa 93. Identifiers: MedGen C5676970, MONDO:0030797, OMIM 619845.
COACH syndrome 2. Identifiers: MedGen C5436837, MONDO:0030859, OMIM 619111.
Inborn genetic diseases. Identifiers: MedGen C0950123, MeSH D030342.
Meckel-Gruber syndrome. Also called: Dysencephalia splachnocystica; DYSENCEPHALIA SPLANCHNOCYSTICA; GRUBER SYNDROME. Identifiers: Orphanet 564, MedGen C0265215, MONDO:0018921.
Joubert syndrome. Also called: Familial aplasia of the vermis; JOUBERT-BOLTSHAUSER SYNDROME. Identifiers: Orphanet 475, MedGen C5979921, MONDO:0018772.
CC2D2A-related disorder. Also called: CC2D2A-related disorders; CC2D2A-related condition. Identifiers: MedGen CN239313.

Allele frequency attached by ClinVar (database versions not stated): gnomAD exomes 0.00001 and 0.00003; ExAC 0.00005; gnomAD 0.00013 and 0.00014; TOPMed 0.00013.
gnomAD v4.1: 28 of 1,549,538 alleles (0.0018%); highest among the groups gnomAD compares: African/African-American, 0.036%; no homozygotes.

Submissions (5):

Labcorp Genetics (formerly Invitae), Labcorp
Classification: Uncertain significance for Joubert syndrome; Meckel-Gruber syndrome. Last evaluated: 2024-12-02. Review status: criteria provided, single submitter. Criteria: Invitae Variant Classification Sherloc (09022015). Collection method: clinical testing. Allele origin: germline.
Comment: This sequence change replaces glycine, which is neutral and non-polar, with arginine, which is basic and polar, at codon 1251 of the CC2D2A protein (p.Gly1251Arg). This variant is present in population databases (rs368180778, gnomAD 0.04%). This variant has not been reported in the literature in individuals affected with CC2D2A-related conditions. ClinVar contains an entry for this variant (Variation ID: 581283). Invitae Evidence Modeling of protein sequence and biophysical properties (such as structural, functional, and spatial information, amino acid conservation, physicochemical variation, residue mobility, and thermodynamic stability) has been performed for this missense variant. However, the output from this modeling did not meet the statistical confidence thresholds required to predict the impact of this variant on CC2D2A protein function. In summary, the available evidence is currently insufficient to determine the role of this variant in disease. Therefore, it has been classified as a Variant of Uncertain Significance.

Fulgent Genetics
Classification: Uncertain significance for Meckel syndrome, type 6; Joubert syndrome 9; COACH syndrome 2; Retinitis pigmentosa 93. Last evaluated: 2024-01-03. Review status: criteria provided, single submitter. Criteria: ACMG Guidelines, 2015. Collection method: clinical testing. Allele origin: germline.

Ambry Genetics
Classification: Uncertain significance for Inborn genetic diseases. Last evaluated: 2023-10-25. Review status: criteria provided, single submitter. Criteria: Ambry Variant Classification Scheme 2023. Collection method: clinical testing. Allele origin: germline.

Eurofins Ntd Llc (ga)
Classification: Uncertain significance. Last evaluated: 2018-02-22. Review status: criteria provided, single submitter. Criteria: EGL ClinVar v180209 classification definitions. Collection method: clinical testing. Allele origin: germline. Observed: 2 variant alleles, 2 heterozygotes.

PreventionGenetics, part of Exact Sciences
Classification: Uncertain significance for CC2D2A-related condition. Last evaluated: 2024-08-22. Review status: no assertion criteria provided. Collection method: clinical testing. Allele origin: germline. Not counted in ClinVar's aggregate classification.
Comment: The CC2D2A c.3751G>A variant is predicted to result in the amino acid substitution p.Gly1251Arg. To our knowledge, this variant has not been reported in the literature. This variant is reported in 0.042% of alleles in individuals of African descent in gnomAD. At this time, the clinical significance of this variant is uncertain due to the absence of conclusive functional and genetic evidence.